The following is an entry in ClinVar:

ClinVar aggregate classification (germline): Benign. Review status: reviewed by expert panel (3 of 4 stars). 10 submissions from 10 submitters: Benign (1). 9 of the submissions do not count toward it. Last evaluated 2025-02-11.

Conditions:
Bernard Soulier syndrome (BSS). Also called: Giant platelet syndrome; Hemorrhagiparous thrombocytic dystrophy; Giant platelet disease; BLEEDING DISORDER, PLATELET-TYPE, 1; PLATELET GLYCOPROTEIN Ib DEFICIENCY; VON WILLEBRAND FACTOR RECEPTOR DEFICIENCY. Identifiers: Orphanet 274, MedGen C0005129, MeSH D001606, MONDO:0009276, OMIM 231200.

Allele frequency attached by ClinVar (database versions not stated): gnomAD exomes 0.01213 and 0.04709; gnomAD 0.01277 and 0.01640; TOPMed 0.02150; 1000 Genomes Project 30x 0.06309; 1000 Genomes Project 0.06749; ExAC 0.07999.

Submissions (10):

ClinGen Platelet Disorders Variant Curation Expert Panel, ClinGen
Classification: Benign for Bernard Soulier syndrome. Last evaluated: 2025-02-11. Review status: reviewed by expert panel. Criteria: ClinGen Platelet ACMG Specifications GP9 V1.0.0. Collection method: curation. Allele origin: germline. Inheritance: Autosomal recessive inheritance.
Comment: The c.466G>A (p.Ala156Thr) variant in GP9 is a missense variant predicted to cause substitution of alanine by threonine at amino acid 156. At least one patient (Case in PMID:15351858 or internal) with this variant had aggregation absent for ristocetin and present for all other agonists, which is highly specific for Bernard-Soulier syndrome. Additionally, the patient had excessive mucocutaneous bleeding and macrothrombocytopenia which is consistent with Bernard-Soulier syndrome, however this variant has a Grpmax Filtering allele frequency in gnomAD v4.1 is 0.2194 (based on 9530/42710 alleles) in the East Asian population, which is higher than the ClinGen PD VCEP threshold (>0.001), and therefore meets this criterion (BA1). The computational predictor REVEL gives a score of 0.187, which is below the ClinGen PD VCEP threshold of <0.290 and predicts no damaging effect on GP9 function and splicing predictor SpliceAI predicts no impact on splicing with delta scores of 0.00 (BP4). Surface expression of GPIBa and GP9 measured by flow cytometry in CHO cells in cells transiently co-transfected with the c.466G>A variant and wild type GP1a and GP1b showed decreased expression at very low (<25%) WT levels, indicating that this variant impacts protein function (PMID:15351858)(PS3_supporting). In summary with BP4 (-1), BA1, PS3_supporting (+1), the other criteria cancel out and BA1 alone provides a Benign classification, ACMG/AMP criteria applied, as specified by the ClinGen PD VCEP.

Labcorp Genetics (formerly Invitae), Labcorp
Classification: Benign. Last evaluated: 2026-02-02. Review status: criteria provided, single submitter. Criteria: Invitae Variant Classification Sherloc (09022015). Collection method: clinical testing. Allele origin: germline. Not counted in ClinVar's aggregate classification.

Blueprint Genetics
Classification: Likely benign. Last evaluated: 2024-11-26. Review status: criteria provided, single submitter. Criteria: ACMG Guidelines, 2015. Collection method: clinical testing. Allele origin: germline. Not counted in ClinVar's aggregate classification.

Mayo Clinic Laboratories, Mayo Clinic
Classification: Benign. Last evaluated: 2024-05-23. Review status: criteria provided, single submitter. Criteria: ACMG Guidelines, 2015. Collection method: clinical testing. Allele origin: germline. Observed: 36 variant alleles. Not counted in ClinVar's aggregate classification.
Comment: BA1, BS2

GeneDx
Classification: Benign. Last evaluated: 2018-11-12. Review status: criteria provided, single submitter. Criteria: GeneDx Variant Classification Process June 2021. Collection method: clinical testing. Allele origin: germline. Affected: yes. Not counted in ClinVar's aggregate classification.
Comment: This variant is associated with the following publications: (PMID: 20981092, 11758225, 27884173, 27291889)

SIB Swiss Institute of Bioinformatics
Classification: Benign for Bernard Soulier syndrome. Last evaluated: 2018-05-31. Review status: criteria provided, single submitter. Criteria: ACMG Guidelines, 2015. Collection method: curation. Allele origin: unknown. Not counted in ClinVar's aggregate classification.
Comment: This variant is interpreted as a Benign - Stand Alone, for Bernard Soulier syndrome, in Autosomal Recessive manner. The following ACMG Tag(s) were applied: BP4 => Multiple lines of computational evidence suggest no impact on gene or gene product (conservation, evolutionary, splicing impact, etc.). BA1 => Allele frequency is >5% in Exome Sequencing Project, 1000 Genomes Project, or Exome Aggregation Consortium. BS2 => Observed in a healthy adult individual for a recessive (homozygous), dominant (heterozygous), or X-linked (hemizygous) disorder, with full penetrance expected at an early age.

Illumina Laboratory Services, Illumina
Classification: Benign for Bernard Soulier syndrome. Last evaluated: 2018-03-06. Review status: criteria provided, single submitter. Criteria: ICSL Variant Classification Criteria 13 December 2019. Collection method: clinical testing. Allele origin: germline. Not counted in ClinVar's aggregate classification.
Comment: This variant was observed in the ICSL laboratory as part of a predisposition screen in an ostensibly healthy population. It had not been previously curated by ICSL or reported in the Human Gene Mutation Database (HGMD: prior to June 1st, 2018), and was therefore a candidate for classification through an automated scoring system. Utilizing variant allele frequency, disease prevalence and penetrance estimates, and inheritance mode, an automated score was calculated to assess if this variant is too frequent to cause the disease. Based on the score and internal cut-off values, a variant classified as benign is not then subjected to further curation. The score for this variant resulted in a classification of benign for this disease.

Eurofins Ntd Llc (ga)
Classification: Benign. Last evaluated: 2014-10-14. Review status: criteria provided, single submitter. Criteria: EGL Classification Definitions 2015. Collection method: clinical testing. Allele origin: germline. Not counted in ClinVar's aggregate classification.

Breakthrough Genomics
Classification: Benign. Review status: criteria provided, single submitter. Criteria: ACMG Guidelines, 2015. Collection method: not provided. Allele origin: germline. Inheritance: Autosomal recessive inheritance. Affected: yes. Not counted in ClinVar's aggregate classification.

PreventionGenetics, part of Exact Sciences
Classification: Benign. Review status: criteria provided, single submitter. Criteria: ACMG Guidelines, 2015. Collection method: clinical testing. Allele origin: germline. Not counted in ClinVar's aggregate classification.

Literature cited by the submitters: PubMed 15351858 (cited by ClinGen Platelet Disorders Variant Curation Expert Panel, ClinGen).

NM_000174.5(GP9):c.466G>A (p.Ala156Thr)

Gene: GP9 (glycoprotein IX platelet; plus strand). Cytogenetic location: 3q21.3.
Variant type: single nucleotide variant.
Coding change: c.466G>A on transcript NM_000174.5 (MANE Select); coding-DNA position 466, G replaced by A.
Protein change: p.Ala156Thr; replaces alanine 156 with threonine.
Molecular consequence: missense variant.
Genome position (GRCh38, 1-based): chr3:129,062,205, G>A. VCF-style: chr3-129062205-G-A. GRCh37 (hg19) VCF-style: chr3-128781048-G-A.
Other names: NM_000174.4(GP9):c.466G>A(p.Ala156Thr); NM_000174.5(GP9):c.466G>A; short protein forms A156T.
Identifiers: ClinVar variation 196227 (VCV000196227.22), dbSNP rs3796130, ClinGen allele CA202222.